The following is an entry in ClinVar:

NM_015046.7(SETX):c.2489_2491dup (p.Gly830dup)

Gene: SETX (senataxin; minus strand). Cytogenetic location: 9q34.13.
Variant type: Duplication.
Coding change: c.2489_2491dup on transcript NM_015046.7 (MANE Select); coding-DNA positions 2489 to 2491, 3 bases duplicated (GAG; older notation c.2489_2491dupGAG).
Protein change: p.Gly830dup; duplicates glycine 830.
Molecular consequence: inframe insertion.
Genome position (GRCh38, 1-based): chr9:132,329,107-132,329,109, CTC duplicated on the plus strand (GAG on the coding strand, the reverse complement: SETX is on the minus strand); duplicating any 3 consecutive bases within chr9:132,329,107-132,329,111 gives the same sequence; the c. name uses the placement nearest the transcript's 3' end. VCF-style (leftmost placement, unchanged base first): chr9-132329106-A-ACTC. GRCh37 (hg19) VCF-style: chr9-135204493-A-ACTC.
Other names: c.2489_2491dup, p.Gly830dup (NM_001351527.2, NM_001351528.2).
Identifiers: ClinVar variation 1306773 (VCV001306773.2), dbSNP rs2131452043, ClinGen allele CA2573053117.

ClinVar aggregate classification (germline): Uncertain significance (1 of 4 stars; one submission).

Submission:

GeneDx
Classification: Uncertain significance. Last evaluated: 2019-07-15. Review status: criteria provided, single submitter. Criteria: GeneDx Variant Classification Process June 2021. Collection method: clinical testing. Allele origin: germline. Affected: yes.
Comment: Not observed in large population cohorts (Lek et al., 2016); In-frame duplication of 1 amino acid in a non-repeat region; Has not been previously published as pathogenic or benign to our knowledge